The following is an entry in ClinVar:

NM_001845.6(COL4A1):c.4173A>G (p.Ile1391Met)

Gene: COL4A1 (collagen type IV alpha 1 chain; minus strand). Cytogenetic location: 13q34.
Variant type: single nucleotide variant.
Coding change: c.4173A>G on transcript NM_001845.6 (MANE Select); coding-DNA position 4173, A replaced by G.
Protein change: p.Ile1391Met; replaces isoleucine 1391 with methionine.
Molecular consequence: missense variant.
Genome position (GRCh38, 1-based): chr13:110,163,539, T>C on the plus strand (A>G on the coding strand, the complement: COL4A1 is on the minus strand). VCF-style: chr13-110163539-T-C. GRCh37 (hg19) VCF-style: chr13-110815886-T-C.
Other names: short protein forms I1391M.
Identifiers: ClinVar variation 1476313 (VCV001476313.6), dbSNP rs1414773161, ClinGen allele CA388659428.

ClinVar aggregate classification (germline): Uncertain significance (1 of 4 stars; one submission).

Allele frequency attached by ClinVar (database versions not stated): gnomAD exomes below 0.00001.
gnomAD v4.1: 6 of 1,614,046 alleles (0.00037%); highest among the groups gnomAD compares: Non-Finnish European, 0.00042%; no homozygotes.

Submission:

Labcorp Genetics (formerly Invitae), Labcorp
Classification: Uncertain significance. Last evaluated: 2025-12-16. Review status: criteria provided, single submitter. Criteria: Invitae Variant Classification Sherloc (09022015). Collection method: clinical testing. Allele origin: germline.
Comment: This sequence change replaces isoleucine, which is neutral and non-polar, with methionine, which is neutral and non-polar, at codon 1391 of the COL4A1 protein (p.Ile1391Met). This variant is present in population databases (no rsID available, gnomAD 0.0009%). This variant has not been reported in the literature in individuals affected with COL4A1-related conditions. ClinVar contains an entry for this variant (Variation ID: 1476313). Invitae Evidence Modeling of protein sequence and biophysical properties (such as structural, functional, and spatial information, amino acid conservation, physicochemical variation, residue mobility, and thermodynamic stability) indicates that this missense variant is not expected to disrupt COL4A1 protein function with a negative predictive value of 95%. In summary, the available evidence is currently insufficient to determine the role of this variant in disease. Therefore, it has been classified as a Variant of Uncertain Significance.